The following is an entry in ClinVar:

ClinVar aggregate classification (germline): Uncertain significance (1 of 4 stars; one submission).

Conditions:
Primary ciliary dyskinesia 11. Also called: CILIARY DYSKINESIA, PRIMARY, 11, WITHOUT SITUS INVERSUS. Identifiers: Orphanet 244, MedGen C2675229, MONDO:0012978, OMIM 612649.

Submission:

Neuberg Centre For Genomic Medicine, NCGM
Classification: Uncertain significance for Primary ciliary dyskinesia 11. Review status: criteria provided, single submitter. Criteria: ACMG Guidelines, 2015. Collection method: clinical testing. Allele origin: germline. Inheritance: Autosomal recessive inheritance. Affected: yes.
Comment: The missense c.103T>C p.Ser35Pro variant in RSPH4A gene has not been reported previously as a pathogenic variant nor as a benign variant, to our knowledge. The p.Ser35Pro variant is novel not in any individuals in gnomAD Exomes and 1000 Genomes. This variant has not been reported to the ClinVar database. The amino acid change p.Ser35Pro in RSPH4A is predicted as conserved by GERP++ and PhyloP across 100 vertebrates. The amino acid Ser at position 35 is changed to a Pro changing protein sequence and it might alter its composition and physico-chemical properties. For these reasons, this variant has been classified as Variant of Uncertain Significance VUS.

NM_001010892.3(RSPH4A):c.103T>C (p.Ser35Pro)

Genes: RSPH4A (radial spoke head component 4A; plus strand), LOC129997052 (ATAC-STARR-seq lymphoblastoid active region 24998; plus strand). Cytogenetic location: 6q22.1.
Variant type: single nucleotide variant.
Coding change: c.103T>C on transcript NM_001010892.3 (MANE Select); coding-DNA position 103, T replaced by C.
Protein change: p.Ser35Pro; replaces serine 35 with proline.
Molecular consequence: missense variant.
Genome position (GRCh38, 1-based): chr6:116,616,726, T>C. VCF-style: chr6-116616726-T-C. GRCh37 (hg19) VCF-style: chr6-116937889-T-C.
Other names: c.103T>C, p.Ser35Pro (NM_001161664.2); short protein forms S35P.
Identifiers: ClinVar variation 3236432 (VCV003236432.2), dbSNP rs2482776933, ClinGen allele CA365389796.